The following is an entry in ClinVar:

ClinVar aggregate classification (germline): Uncertain significance (1 of 4 stars; one submission).

Conditions:
Tremor, hereditary essential, 4 (ETM4). Identifiers: MedGen C3539195, MONDO:0013888, OMIM 614782.
Amyotrophic lateral sclerosis type 6. Also called: FUS-Related Amyotrophic Laterial Sclerosis; Amyotrophic lateral sclerosis 6, with or without frontotemporal dementia; AMYOTROPHIC LATERAL SCLEROSIS 6 WITHOUT FRONTOTEMPORAL DEMENTIA. Identifiers: Orphanet 275872, Orphanet 803, MedGen C2931786, MONDO:0011951, OMIM 608030.

Submission:

Labcorp Genetics (formerly Invitae), Labcorp
Classification: Uncertain significance for Tremor, hereditary essential, 4; Amyotrophic lateral sclerosis type 6. Last evaluated: 2019-04-25. Review status: criteria provided, single submitter. Criteria: Invitae Variant Classification Sherloc (09022015). Collection method: clinical testing. Allele origin: germline.
Comment: In summary, the available evidence is currently insufficient to determine the role of this variant in disease. Therefore, it has been classified as a Variant of Uncertain Significance. This variant is not present in population databases (ExAC no frequency). This variant has been reported to have conflicting or insufficient data to determine the effect on FUS protein function (PMID: 26795035). This variant has been observed in an individual affected with amyotrophic lateral sclerosis (ALS) (PMID: 26601740). This sequence change replaces glutamine with glutamic acid at codon 519 of the FUS protein (p.Gln519Glu). The glutamine residue is highly conserved and there is a small physicochemical difference between glutamine and glutamic acid.

Literature cited by the submitters: PubMed 26795035; PubMed 26601740.

NM_004960.4(FUS):c.1555C>G (p.Gln519Glu)

Gene: FUS (FUS RNA binding protein; plus strand). Cytogenetic location: 16p11.2.
Variant type: single nucleotide variant.
Coding change: c.1555C>G on transcript NM_004960.4 (MANE Select); coding-DNA position 1555, C replaced by G.
Protein change: p.Gln519Glu; replaces glutamine 519 with glutamic acid.
Molecular consequence: missense variant. On other transcripts: non-coding transcript variant (1).
Genome position (GRCh38, 1-based): chr16:31,191,412, C>G. VCF-style: chr16-31191412-C-G. GRCh37 (hg19) VCF-style: chr16-31202733-C-G.
Other names: c.1552C>G, p.Gln518Glu (NM_001170634.1); c.1543C>G, p.Gln515Glu (NM_001170937.1); short protein forms Q518E, Q515E, Q519E.
Identifiers: ClinVar variation 650787 (VCV000650787.11), dbSNP rs1567479067, ClinGen allele CA395677387.